The following is an entry in ClinVar:

ClinVar aggregate classification (germline): Uncertain significance. Review status: criteria provided, multiple submitters, no conflicts (2 of 4 stars). 2 submissions from 2 submitters: Uncertain significance (2). Last evaluated 2025-08-12.

Conditions:
Inborn genetic diseases. Identifiers: MedGen C0950123, MeSH D030342.
Polyglucosan body myopathy type 1 (PGBM1). Also called: Polyglucosan body myopathy 1 with or without immunodeficiency; POLYGLUCOSAN BODY MYOPATHY WITHOUT IMMUNODEFICIENCY. Identifiers: Orphanet 329173, Orphanet 397937, MedGen C4014605, MONDO:0014389, OMIM 615895.

Allele frequency attached by ClinVar (database versions not stated): gnomAD 0.00004 and 0.00003; ESP Exome Variant Server 0.00015; ExAC 0.00001; gnomAD exomes 0.00001 and 0.00002; TOPMed 0.00002.
gnomAD v4.1: 39 of 1,613,658 alleles (0.0024%); highest among the groups gnomAD compares: Non-Finnish European, 0.0032%; no homozygotes.

Submissions (2):

Ambry Genetics
Classification: Uncertain significance for Inborn genetic diseases. Last evaluated: 2025-08-12. Review status: criteria provided, single submitter. Criteria: Ambry Variant Classification Scheme 2023. Collection method: clinical testing. Allele origin: germline.

Labcorp Genetics (formerly Invitae), Labcorp
Classification: Uncertain significance for Polyglucosan body myopathy type 1. Last evaluated: 2022-05-28. Review status: criteria provided, single submitter. Criteria: Invitae Variant Classification Sherloc (09022015). Collection method: clinical testing. Allele origin: germline.
Comment: This variant has not been reported in the literature in individuals affected with RBCK1-related conditions. This variant is present in population databases (rs371527119, gnomAD 0.003%). This sequence change replaces valine, which is neutral and non-polar, with isoleucine, which is neutral and non-polar, at codon 497 of the RBCK1 protein (p.Val497Ile). ClinVar contains an entry for this variant (Variation ID: 840367). In summary, the available evidence is currently insufficient to determine the role of this variant in disease. Therefore, it has been classified as a Variant of Uncertain Significance. Algorithms developed to predict the effect of missense changes on protein structure and function are either unavailable or do not agree on the potential impact of this missense change (SIFT: "Not Available"; PolyPhen-2: "Benign"; Align-GVGD: "Not Available").

NM_031229.4(RBCK1):c.1489G>A (p.Val497Ile)

Gene: RBCK1 (RANBP2-type and C3HC4-type zinc finger containing 1; plus strand). Cytogenetic location: 20p13.
Variant type: single nucleotide variant.
Coding change: c.1489G>A on transcript NM_031229.4 (MANE Select); coding-DNA position 1489, G replaced by A.
Protein change: p.Val497Ile; replaces valine 497 with isoleucine.
Molecular consequence: missense variant. On other transcripts: non-coding transcript variant (1).
Genome position (GRCh38, 1-based): chr20:430,386, G>A. VCF-style: chr20-430386-G-A. GRCh37 (hg19) VCF-style: chr20-411030-G-A.
Other names: c.1489G>A (NM_031229.2); c.979G>A, p.Val327Ile (NM_001323956.2, NM_001323958.2); c.1363G>A, p.Val455Ile (NM_006462.6); short protein forms V455I, V327I, V497I.
Identifiers: ClinVar variation 840367 (VCV000840367.8), dbSNP rs371527119, ClinGen allele CA9723408.